The following is an entry in ClinVar:

ClinVar aggregate classification (germline): Conflicting classifications of pathogenicity. Review status: criteria provided, conflicting classifications (1 of 4 stars). 7 submissions from 7 submitters: Uncertain significance (1); Likely benign (3). 3 of the submissions do not count toward it. Last evaluated 2026-09-01.

Conditions:
TTN-related disorder. Also called: TTN-related condition; TTN-related disease; TTN-related disorders.
Cardiovascular phenotype. Identifiers: MedGen CN230736.
Dilated cardiomyopathy 1G (CMD1G). Identifiers: Orphanet 154, MedGen C1858763, MONDO:0011400, OMIM 604145.
Autosomal recessive limb-girdle muscular dystrophy type 2J (LGMDR10). Also called: Limb-girdle muscular dystrophy, type 2J; MUSCULAR DYSTROPHY, LIMB-GIRDLE, AUTOSOMAL RECESSIVE 10. Identifiers: Orphanet 140922, MedGen C1837342, MONDO:0012127, OMIM 608807.

Allele frequency attached by ClinVar (database versions not stated): TOPMed 0.00003; ESP Exome Variant Server 0.00008; ExAC 0.00001; gnomAD exomes 0.00001; gnomAD 0.00002.
gnomAD v4.1: 10 of 1,602,026 alleles (0.00062%); highest among the groups gnomAD compares: Non-Finnish European, 0.00085%; no homozygotes.

Submissions (7):

CeGaT Center for Human Genetics Tuebingen
Classification: Uncertain significance. Last evaluated: 2026-09-01. Review status: criteria provided, single submitter. Criteria: CeGaT Center For Human Genetics Tuebingen Variant Classification Criteria Version 2. Collection method: clinical testing. Allele origin: germline. Affected: yes. Observed: 1 variant allele.
Comment: TTN: PM2:Supporting, BP4

Labcorp Genetics (formerly Invitae), Labcorp
Classification: Likely benign for Dilated cardiomyopathy 1G; Autosomal recessive limb-girdle muscular dystrophy type 2J. Last evaluated: 2025-09-03. Review status: criteria provided, single submitter. Criteria: Invitae Variant Classification Sherloc (09022015). Collection method: clinical testing. Allele origin: germline.

PreventionGenetics, part of Exact Sciences
Classification: Likely benign for TTN-related condition. Last evaluated: 2025-07-30. Review status: criteria provided, single submitter. Criteria: ACMG Guidelines, 2015. Collection method: clinical testing. Allele origin: germline.
Comment: This variant is classified as likely benign based on ACMG/AMP sequence variant interpretation guidelines (Richards et al. 2015 PMID: 25741868, with internal and published modifications).

Ambry Genetics
Classification: Likely benign for Cardiovascular phenotype. Last evaluated: 2022-12-31. Review status: criteria provided, single submitter. Criteria: Ambry Variant Classification Scheme 2023. Collection method: clinical testing. Allele origin: germline.

Clinical Genetics, Academic Medical Center
Classification: Benign. Review status: no assertion criteria provided. Collection method: clinical testing. Allele origin: germline. Affected: yes. Study: VKGL Data-share Consensus. Not counted in ClinVar's aggregate classification.

Diagnostic Laboratory, Department of Genetics, University Medical Center Groningen
Classification: Likely benign. Review status: no assertion criteria provided. Collection method: clinical testing. Allele origin: germline. Affected: yes. Study: VKGL Data-share Consensus. Not counted in ClinVar's aggregate classification.

Joint Genome Diagnostic Labs from Nijmegen and Maastricht, Radboudumc and MUMC+
Classification: Benign. Review status: no assertion criteria provided. Collection method: clinical testing. Allele origin: germline. Affected: yes. Study: VKGL Data-share Consensus. Not counted in ClinVar's aggregate classification.

NM_001267550.2(TTN):c.44472T>C (p.Asp14824=)

Gene: TTN (titin; minus strand). Cytogenetic location: 2q31.2.
Variant type: single nucleotide variant.
Coding change: c.44472T>C on transcript NM_001267550.2 (MANE Select); coding-DNA position 44472, T replaced by C.
Protein change: p.Asp14824=; no amino-acid change (aspartic acid 14824 retained).
Molecular consequence: synonymous variant.
Genome position (GRCh38, 1-based): chr2:178,625,349, A>G on the plus strand (T>C on the coding strand, the complement: TTN is on the minus strand). VCF-style: chr2-178625349-A-G. GRCh37 (hg19) VCF-style: chr2-179490076-A-G.
Other names: c.39549T>C, p.Asp13183= (NM_001256850.1); c.17277T>C, p.Asp5759= (NM_003319.4); c.36768T>C, p.Asp12256= (NM_133378.4); c.17652T>C, p.Asp5884= (NM_133432.3); c.17853T>C, p.Asp5951= (NM_133437.4).
Identifiers: ClinVar variation 1157442 (VCV001157442.19), dbSNP rs377441854, ClinGen allele CA1995629.
Genomic context (GRCh38, chr2:178,625,349, plus strand): 5'-GGCGTGAGTTTTGAAATCTTTTGCTGTTAGTTGGACTTCCCCAGCATCTTCTAACTTTAC[A>G]TCCCTCAGAGTAAGTGTATGAACTTTTCCTTCTGAACGTGGGACCACCTAGTTGTTTTTA-3'
Protein context (NP_001254479.2, residues 14814-14834): EGKVHTLTLR[Asp14824=]VKLEDAGEVQ